The following is an entry in ClinVar:

ClinVar aggregate classification (germline): Uncertain significance. Review status: criteria provided, multiple submitters, no conflicts (2 of 4 stars). 2 submissions from 2 submitters: Uncertain significance (2). Last evaluated 2025-05-21.

Allele frequency attached by ClinVar (database versions not stated): gnomAD exomes below 0.00001.
gnomAD v4.1: 4 of 1,603,958 alleles (0.00025%); highest among the groups gnomAD compares: Middle Eastern, 0.017%; no homozygotes.

Submissions (2):

GeneDx
Classification: Uncertain significance. Last evaluated: 2025-05-21. Review status: criteria provided, single submitter. Criteria: GeneDx Variant Classification Process June 2021. Collection method: clinical testing. Allele origin: germline. Affected: yes.
Comment: Not observed at significant frequency in large population cohorts (gnomAD); In silico analysis suggests that this missense variant does not alter protein structure/function; Has not been previously published as pathogenic or benign to our knowledge

Labcorp Genetics (formerly Invitae), Labcorp
Classification: Uncertain significance. Last evaluated: 2022-08-15. Review status: criteria provided, single submitter. Criteria: Invitae Variant Classification Sherloc (09022015). Collection method: clinical testing. Allele origin: germline.
Comment: This sequence change replaces alanine, which is neutral and non-polar, with threonine, which is neutral and polar, at codon 442 of the GTPBP3 protein (p.Ala442Thr). In summary, the available evidence is currently insufficient to determine the role of this variant in disease. Therefore, it has been classified as a Variant of Uncertain Significance. Algorithms developed to predict the effect of missense changes on protein structure and function are either unavailable or do not agree on the potential impact of this missense change (SIFT: "Tolerated"; PolyPhen-2: "Possibly Damaging"; Align-GVGD: "Class C0"). ClinVar contains an entry for this variant (Variation ID: 1490763). This variant has not been reported in the literature in individuals affected with GTPBP3-related conditions. The frequency data for this variant in the population databases is considered unreliable, as metrics indicate poor data quality at this position in the gnomAD database.

NM_032620.4(GTPBP3):c.1228G>A (p.Ala410Thr)

Gene: GTPBP3 (GTP binding protein 3, mitochondrial; plus strand). Cytogenetic location: 19p13.11.
Variant type: single nucleotide variant.
Coding change: c.1228G>A on transcript NM_032620.4 (MANE Select); coding-DNA position 1228, G replaced by A.
Protein change: p.Ala410Thr; replaces alanine 410 with threonine.
Molecular consequence: missense variant.
Genome position (GRCh38, 1-based): chr19:17,341,297, G>A. VCF-style: chr19-17341297-G-A. GRCh37 (hg19) VCF-style: chr19-17452106-G-A.
Other names: c.1165G>A, p.Ala389Thr (NM_001128855.3); c.1294G>A, p.Ala432Thr (NM_001195422.1); c.1324G>A, p.Ala442Thr (NM_133644.4); c.1324G>A (NM_133644.3); short protein forms A389T, A432T, A442T, A410T.
Identifiers: ClinVar variation 1490763 (VCV001490763.9), dbSNP rs1463537539, ClinGen allele CA404739061.